The following is an entry in ClinVar:

NM_005458.8(GABBR2):c.146C>T (p.Pro49Leu)

Gene: GABBR2 (gamma-aminobutyric acid type B receptor subunit 2; minus strand). Cytogenetic location: 9q22.33.
Variant type: single nucleotide variant.
Coding change: c.146C>T on transcript NM_005458.8 (MANE Select); coding-DNA position 146, C replaced by T.
Protein change: p.Pro49Leu; replaces proline 49 with leucine.
Molecular consequence: missense variant.
Genome position (GRCh38, 1-based): chr9:98,708,592, G>A on the plus strand (C>T on the coding strand, the complement: GABBR2 is on the minus strand). VCF-style: chr9-98708592-G-A. GRCh37 (hg19) VCF-style: chr9-101470874-G-A.
Other names: c.146C>T (NM_005458.7); short protein forms P49L.
Identifiers: ClinVar variation 1047677 (VCV001047677.11), dbSNP rs760146944, ClinGen allele CA5153062.

ClinVar aggregate classification (germline): Uncertain significance. Review status: criteria provided, multiple submitters, no conflicts (2 of 4 stars). 2 submissions from 2 submitters: Uncertain significance (2). Last evaluated 2025-10-13.

Conditions:
Epileptic encephalopathy. Identifiers: MedGen C0543888, HP:0200134.

Allele frequency attached by ClinVar (database versions not stated): ExAC below 0.00001; gnomAD exomes below 0.00001; gnomAD 0.00001; TOPMed 0.00001.
gnomAD v4.1: 2 of 1,452,842 alleles (0.00014%); highest among the groups gnomAD compares: Admixed American, 0.0023%; no homozygotes.

Submissions (2):

Labcorp Genetics (formerly Invitae), Labcorp
Classification: Uncertain significance for Epileptic encephalopathy. Last evaluated: 2025-10-13. Review status: criteria provided, single submitter. Criteria: Invitae Variant Classification Sherloc (09022015). Collection method: clinical testing. Allele origin: germline.
Comment: This sequence change replaces proline, which is neutral and non-polar, with leucine, which is neutral and non-polar, at codon 49 of the GABBR2 protein (p.Pro49Leu). The frequency data for this variant in the population databases is considered unreliable, as metrics indicate poor data quality at this position in the gnomAD database. This variant has not been reported in the literature in individuals affected with GABBR2-related conditions. ClinVar contains an entry for this variant (Variation ID: 1047677). Experimental studies and prediction algorithms are not available or were not evaluated, and the functional significance of this variant is currently unknown. In summary, the available evidence is currently insufficient to determine the role of this variant in disease. Therefore, it has been classified as a Variant of Uncertain Significance.

Revvity Omics, Revvity
Classification: Uncertain significance. Last evaluated: 2020-10-02. Review status: criteria provided, single submitter. Criteria: ACMG Guidelines, 2015. Collection method: clinical testing. Allele origin: germline.